The following is an entry in ClinVar:

NM_003743.5(NCOA1):c.2245C>A (p.Leu749Ile)

Gene: NCOA1 (nuclear receptor coactivator 1; plus strand). Cytogenetic location: 2p23.3.
Variant type: single nucleotide variant.
Coding change: c.2245C>A on transcript NM_003743.5 (MANE Select); coding-DNA position 2245, C replaced by A.
Protein change: p.Leu749Ile; replaces leucine 749 with isoleucine.
Molecular consequence: missense variant.
Genome position (GRCh38, 1-based): chr2:24,707,715, C>A. VCF-style: chr2-24707715-C-A. GRCh37 (hg19) VCF-style: chr2-24930584-C-A.
Other names: c.2245C>A, p.Leu749Ile (NM_001362950.1, NM_001362952.1, NM_001362954.1 and 3 more transcripts); short protein forms L749I.
Identifiers: ClinVar variation 4988434 (VCV004988434.1).

ClinVar aggregate classification (germline): Uncertain significance (1 of 4 stars; one submission).

Conditions:
NCOA1-related disorder. Also called: NCOA1-related condition.

gnomAD v4.1: 12 of 1,614,036 alleles (0.00074%); highest among the groups gnomAD compares: Non-Finnish European, 0.001%; no homozygotes.

Submission:

PreventionGenetics, part of Exact Sciences
Classification: Uncertain significance for NCOA1-related condition. Last evaluated: 2025-04-19. Review status: criteria provided, single submitter. Criteria: ACMG Guidelines, 2015. Collection method: clinical testing. Allele origin: germline.
Comment: The NCOA1 c.2245C>A variant is predicted to result in the amino acid substitution p.Leu749Ile. To our knowledge, this variant has not been reported in the literature. This variant is reported in 0.00088% of alleles in individuals of European (Non-Finnish) descent in gnomAD. At this time, the clinical significance of this variant is uncertain due to the absence of conclusive functional and genetic evidence.